The following is an entry in ClinVar:

ClinVar aggregate classification (germline): Uncertain significance (1 of 4 stars; one submission).

Allele frequency attached by ClinVar (database versions not stated): gnomAD exomes below 0.00001; TOPMed 0.00002; ExAC 0.00001.
gnomAD v4.1: 6 of 1,613,208 alleles (0.00037%); highest among the groups gnomAD compares: Non-Finnish European, 0.00042%; no homozygotes.

Submission:

Labcorp Genetics (formerly Invitae), Labcorp
Classification: Uncertain significance. Last evaluated: 2025-07-28. Review status: criteria provided, single submitter. Criteria: Invitae Variant Classification Sherloc (09022015). Collection method: clinical testing. Allele origin: germline.
Comment: This sequence change replaces proline, which is neutral and non-polar, with histidine, which is basic and polar, at codon 1103 of the ITGAM protein (p.Pro1103His). This variant is present in population databases (rs761165223, gnomAD 0.0009%). This variant has not been reported in the literature in individuals affected with ITGAM-related conditions. ClinVar contains an entry for this variant (Variation ID: 3008273). An algorithm developed to predict the effect of missense changes on protein structure and function outputs the following: PolyPhen-2: "Benign". The histidine amino acid residue is found in multiple mammalian species, which suggests that this missense change does not adversely affect protein function. In summary, the available evidence is currently insufficient to determine the role of this variant in disease. Therefore, it has been classified as a Variant of Uncertain Significance.

NM_000632.4(ITGAM):c.3308C>A (p.Pro1103His)

Gene: ITGAM (integrin subunit alpha M; plus strand). Cytogenetic location: 16p11.2.
Variant type: single nucleotide variant.
Coding change: c.3308C>A on transcript NM_000632.4 (MANE Select); coding-DNA position 3308, C replaced by A.
Protein change: p.Pro1103His; replaces proline 1103 with histidine.
Molecular consequence: missense variant.
Genome position (GRCh38, 1-based): chr16:31,331,196, C>A. VCF-style: chr16-31331196-C-A. GRCh37 (hg19) VCF-style: chr16-31342517-C-A.
Other names: c.3311C>A, p.Pro1104His (NM_001145808.2); short protein forms P1104H, P1103H.
Identifiers: ClinVar variation 3008273 (VCV003008273.3), dbSNP rs761165223, ClinGen allele CA8026157.